The following is an entry in ClinVar:

ClinVar aggregate classification (germline): Uncertain significance. Review status: criteria provided, multiple submitters, no conflicts (2 of 4 stars). 2 submissions from 2 submitters: Uncertain significance (2). Last evaluated 2026-01-18.

Allele frequency attached by ClinVar (database versions not stated): TOPMed below 0.00001.

Submissions (2):

Labcorp Genetics (formerly Invitae), Labcorp
Classification: Uncertain significance. Last evaluated: 2026-01-18. Review status: criteria provided, single submitter. Criteria: Invitae Variant Classification Sherloc (09022015). Collection method: clinical testing. Allele origin: germline.
Comment: This sequence change replaces valine, which is neutral and non-polar, with isoleucine, which is neutral and non-polar, at codon 1251 of the COL11A1 protein (p.Val1251Ile). This variant is not present in population databases (gnomAD no frequency). This variant has not been reported in the literature in individuals affected with COL11A1-related conditions. ClinVar contains an entry for this variant (Variation ID: 2873464). Invitae Evidence Modeling of protein sequence and biophysical properties (such as structural, functional, and spatial information, amino acid conservation, physicochemical variation, residue mobility, and thermodynamic stability) indicates that this missense variant is not expected to disrupt COL11A1 protein function with a negative predictive value of 80%. In summary, the available evidence is currently insufficient to determine the role of this variant in disease. Therefore, it has been classified as a Variant of Uncertain Significance.

Blueprint Genetics
Classification: Uncertain significance. Last evaluated: 2018-09-11. Review status: criteria provided, single submitter. Criteria: ACMG Guidelines, 2015. Collection method: clinical testing. Allele origin: germline.

NM_001854.4(COL11A1):c.3751G>A (p.Val1251Ile)

Gene: COL11A1 (collagen type XI alpha 1 chain; minus strand). Cytogenetic location: 1p21.1.
Variant type: single nucleotide variant.
Coding change: c.3751G>A on transcript NM_001854.4 (MANE Select); coding-DNA position 3751, G replaced by A.
Protein change: p.Val1251Ile; replaces valine 1251 with isoleucine.
Molecular consequence: missense variant. On other transcripts: non-coding transcript variant (1).
Genome position (GRCh38, 1-based): chr1:102,920,322, C>T on the plus strand (G>A on the coding strand, the complement: COL11A1 is on the minus strand). VCF-style: chr1-102920322-C-T. GRCh37 (hg19) VCF-style: chr1-103385878-C-T.
Other names: c.3403G>A, p.Val1135Ile (NM_001168249.1, NM_080630.4); c.3634G>A, p.Val1212Ile (NM_001190709.2); c.3787G>A, p.Val1263Ile (NM_080629.3); short protein forms V1251I, V1212I, V1135I, V1263I.
Identifiers: ClinVar variation 2873464 (VCV002873464.4), dbSNP rs971684833, ClinGen allele CA27681584.